The following is an entry in ClinVar:

NM_001394998.1(TANC2):c.1123_1124del (p.Ser375fs)

Gene: TANC2 (tetratricopeptide repeat, ankyrin repeat and coiled-coil containing 2; plus strand). Cytogenetic location: 17q23.3.
Variant type: Microsatellite.
Coding change: c.1123_1124del on transcript NM_001394998.1 (MANE Select); coding-DNA positions 1123 to 1124, 2 bases deleted (AG; older notation c.1123_1124delAG).
Protein change: p.Ser375fs; shifts the reading frame from serine 375.
Molecular consequence: frameshift variant.
Genome position (GRCh38, 1-based): chr17:63,267,837-63,267,838, AG deleted; deleting any 2 consecutive bases within chr17:63,267,835-63,267,838 gives the same sequence; the c. name uses the placement nearest the transcript's 3' end. VCF-style (leftmost placement, unchanged base first): chr17-63267834-CAG-C. GRCh37 (hg19) VCF-style: chr17-61345195-CAG-C.
Other names: c.901_902del, p.Ser301fs (NM_001411076.1, NM_025185.4); short protein forms S301fs, S375fs.
Identifiers: ClinVar variation 3024265 (VCV003024265.2), dbSNP rs2509607298, ClinGen allele CA2740093889.

ClinVar aggregate classification (germline): Likely pathogenic. Review status: criteria provided, multiple submitters, no conflicts (2 of 4 stars). 2 submissions from 2 submitters: Likely pathogenic (2). Last evaluated 2024-10-04.

Conditions:
Intellectual developmental disorder with autistic features and language delay, with or without seizures. Identifiers: MedGen C5394447, MONDO:0030051, OMIM 618906.
Intellectual disability. Also called: Intellectual developmental disorder; Intellectual functioning disability; intellectual disabilities. Identifiers: MedGen C3714756, MeSH D008607, MONDO:0001071, HP:0001249.

Submissions (2):

Dubai Health Genomic Medicine Center, Dubai Health
Classification: Likely pathogenic for Intellectual developmental disorder. Last evaluated: 2024-10-04. Review status: criteria provided, single submitter. Criteria: ACMG Guidelines, 2015. Collection method: research. Allele origin: germline. Affected: yes.
Comment: PVS1,PM2

Molecular Genetics Lab, CHRU Brest
Classification: Likely pathogenic for Intellectual developmental disorder with autistic features and language delay, with or without seizures. Review status: criteria provided, single submitter. Criteria: ACMG Guidelines, 2015. Collection method: clinical testing. Allele origin: maternal. Affected: yes.